The following is an entry in ClinVar:

NM_001385079.1(PDE10A):c.1726T>C (p.Tyr576His)

Gene: PDE10A (phosphodiesterase 10A; minus strand). Cytogenetic location: 6q27.
Variant type: single nucleotide variant.
Coding change: c.1726T>C on transcript NM_001385079.1 (MANE Select); coding-DNA position 1726, T replaced by C.
Protein change: p.Tyr576His; replaces tyrosine 576 with histidine.
Molecular consequence: missense variant.
Genome position (GRCh38, 1-based): chr6:165,418,705, A>G on the plus strand (T>C on the coding strand, the complement: PDE10A is on the minus strand). VCF-style: chr6-165418705-A-G. GRCh37 (hg19) VCF-style: chr6-165832193-A-G.
Other names: c.928T>C (NM_001130690.1); c.928T>C, p.Tyr310His (NM_001130690.3); c.898T>C, p.Tyr300His (NM_006661.4); short protein forms Y576H, Y300H, Y310H.
Identifiers: ClinVar variation 1425590 (VCV001425590.9), dbSNP rs759802430, ClinGen allele CA4092305.
Genomic context (GRCh38, chr6:165,418,705, plus strand): 5'-TGGTCTTCTTGAAGACAGGTTTTCCTTCCTTTTCCTCTCCAATATCAAAAAGGTCTGAAT[A>G]TAACTCCTTGTTCTTATGGTCCACCTGGAAAAGCGCACAACGATCGGCATTCACCAGGTT-3'
Protein context (NP_001372008.1, residues 566-586): FQVDHKNKEL[Tyr576His]SDLFDIGEEK

ClinVar aggregate classification (germline): Uncertain significance. Review status: criteria provided, multiple submitters, no conflicts (2 of 4 stars). 2 submissions from 2 submitters: Uncertain significance (2). Last evaluated 2025-08-06.

Conditions:
Inborn genetic diseases. Identifiers: MedGen C0950123, MeSH D030342.

Allele frequency attached by ClinVar (database versions not stated): gnomAD 0.00001; gnomAD exomes 0.00001; ExAC 0.00002; TOPMed 0.00002.
gnomAD v4.1: 17 of 1,613,698 alleles (0.0011%); highest among the groups gnomAD compares: Non-Finnish European, 0.0014%; no homozygotes.

Submissions (2):

Ambry Genetics
Classification: Uncertain significance for Inborn genetic diseases. Last evaluated: 2025-08-06. Review status: criteria provided, single submitter. Criteria: Ambry Variant Classification Scheme 2023. Collection method: clinical testing. Allele origin: germline.

Labcorp Genetics (formerly Invitae), Labcorp
Classification: Uncertain significance. Last evaluated: 2022-10-17. Review status: criteria provided, single submitter. Criteria: Invitae Variant Classification Sherloc (09022015). Collection method: clinical testing. Allele origin: germline.
Comment: In summary, the available evidence is currently insufficient to determine the role of this variant in disease. Therefore, it has been classified as a Variant of Uncertain Significance. Advanced modeling of protein sequence and biophysical properties (such as structural, functional, and spatial information, amino acid conservation, physicochemical variation, residue mobility, and thermodynamic stability) performed at Invitae indicates that this missense variant is not expected to disrupt PDE10A protein function. ClinVar contains an entry for this variant (Variation ID: 1425590). This variant has not been reported in the literature in individuals affected with PDE10A-related conditions. The frequency data for this variant in the population databases is considered unreliable, as metrics indicate poor data quality at this position in the gnomAD database. This sequence change replaces tyrosine, which is neutral and polar, with histidine, which is basic and polar, at codon 310 of the PDE10A protein (p.Tyr310His).